The following is an entry in ClinVar:

ClinVar aggregate classification (germline): Uncertain significance (1 of 4 stars; one submission).

Conditions:
PLXNA4-related disorder. Also called: PLXNA4-related condition.

gnomAD v4.1: 30 of 1,613,800 alleles (0.0019%); highest among the groups gnomAD compares: Non-Finnish European, 0.0023%; no homozygotes.

Submission:

PreventionGenetics, part of Exact Sciences
Classification: Uncertain significance for PLXNA4-related condition. Last evaluated: 2026-06-27. Review status: criteria provided, single submitter. Criteria: ACMG Guidelines, 2015. Collection method: clinical testing. Allele origin: germline.
Comment: The PLXNA4 c.3476C>T variant is predicted to result in the amino acid substitution p.Thr1159Met. To our knowledge, this variant has not been reported in the literature. This variant is reported in 0.0035% of alleles in individuals of European (Non-Finnish) descent in gnomAD. At this time, the clinical significance of this variant is uncertain due to the absence of conclusive functional and genetic evidence.

NM_020911.2(PLXNA4):c.3476C>T (p.Thr1159Met)

Gene: PLXNA4 (plexin A4; minus strand). Cytogenetic location: 7q32.3.
Variant type: single nucleotide variant.
Coding change: c.3476C>T on transcript NM_020911.2 (MANE Select); coding-DNA position 3476, C replaced by T.
Protein change: p.Thr1159Met; replaces threonine 1159 with methionine.
Molecular consequence: missense variant.
Genome position (GRCh38, 1-based): chr7:132,181,397, G>A on the plus strand (C>T on the coding strand, the complement: PLXNA4 is on the minus strand). VCF-style: chr7-132181397-G-A. GRCh37 (hg19) VCF-style: chr7-131866156-G-A.
Other names: c.3476C>T, p.Thr1159Met (NM_001393897.1); short protein forms T1159M.
Identifiers: ClinVar variation 4982061 (VCV004982061.1).